The following is an entry in ClinVar:

NM_004994.3(MMP9):c.964C>T (p.Arg322Trp)

Gene: MMP9 (matrix metallopeptidase 9; plus strand). Cytogenetic location: 20q13.12.
Variant type: single nucleotide variant.
Coding change: c.964C>T on transcript NM_004994.3 (MANE Select); coding-DNA position 964, C replaced by T.
Protein change: p.Arg322Trp; replaces arginine 322 with tryptophan.
Molecular consequence: missense variant.
Genome position (GRCh38, 1-based): chr20:46,011,714, C>T. VCF-style: chr20-46011714-C-T. GRCh37 (hg19) VCF-style: chr20-44640353-C-T.
Other names: c.964C>T (NM_004994.2); short protein forms R322W.
Identifiers: ClinVar variation 1966887 (VCV001966887.7), dbSNP rs200418910, ClinGen allele CA315635412.

ClinVar aggregate classification (germline): Uncertain significance. Review status: criteria provided, multiple submitters, no conflicts (2 of 4 stars). 3 submissions from 3 submitters: Uncertain significance (3). Last evaluated 2024-12-08.

Allele frequency attached by ClinVar (database versions not stated): gnomAD 0.00001; gnomAD exomes 0.00001.
gnomAD v4.1: 11 of 1,613,504 alleles (0.00068%); highest among the groups gnomAD compares: Middle Eastern, 0.016%; no homozygotes.

Submissions (3):

Ambry Genetics
Classification: Uncertain significance. Last evaluated: 2024-12-08. Review status: criteria provided, single submitter. Criteria: Ambry Variant Classification Scheme 2023. Collection method: clinical testing. Allele origin: germline.

Labcorp Genetics (formerly Invitae), Labcorp
Classification: Uncertain significance. Last evaluated: 2022-11-08. Review status: criteria provided, single submitter. Criteria: Invitae Variant Classification Sherloc (09022015). Collection method: clinical testing. Allele origin: germline.
Comment: This variant has not been reported in the literature in individuals affected with MMP9-related conditions. Advanced modeling of protein sequence and biophysical properties (such as structural, functional, and spatial information, amino acid conservation, physicochemical variation, residue mobility, and thermodynamic stability) performed at Invitae indicates that this missense variant is not expected to disrupt MMP9 protein function. In summary, the available evidence is currently insufficient to determine the role of this variant in disease. Therefore, it has been classified as a Variant of Uncertain Significance. This variant is present in population databases (rs200418910, gnomAD 0.003%). This sequence change replaces arginine, which is basic and polar, with tryptophan, which is neutral and slightly polar, at codon 322 of the MMP9 protein (p.Arg322Trp).

Breakthrough Genomics
Classification: Uncertain significance. Review status: criteria provided, single submitter. Criteria: ACMG Guidelines, 2015. Collection method: not provided. Allele origin: germline. Inheritance: Autosomal dominant inheritance. Affected: yes.